The following is an entry in ClinVar:

NM_017636.4(TRPM4):c.1120G>A (p.Glu374Lys)

Gene: TRPM4 (transient receptor potential cation channel subfamily M member 4; plus strand). Cytogenetic location: 19q13.33.
Variant type: single nucleotide variant.
Coding change: c.1120G>A on transcript NM_017636.4 (MANE Select); coding-DNA position 1120, G replaced by A.
Protein change: p.Glu374Lys; replaces glutamic acid 374 with lysine.
Molecular consequence: missense variant. On other transcripts: 5 prime UTR variant (1), intron variant (1).
Genome position (GRCh38, 1-based): chr19:49,172,078, G>A. VCF-style: chr19-49172078-G-A. GRCh37 (hg19) VCF-style: chr19-49675335-G-A.
Other names: c.1120G>A, p.Glu374Lys (NM_001195227.2); c.775G>A, p.Glu259Lys (NM_001321281.2); c.-434G>A (NM_001321282.2); c.598G>A, p.Glu200Lys (NM_001321283.2); c.201+309G>A (NM_001321285.2); short protein forms E200K, E259K, E374K.
Identifiers: ClinVar variation 1797723 (VCV001797723.6), dbSNP rs758836432, ClinGen allele CA9569081.

ClinVar aggregate classification (germline): Uncertain significance. Review status: criteria provided, multiple submitters, no conflicts (2 of 4 stars). 2 submissions from 2 submitters: Uncertain significance (2). Last evaluated 2026-01-15.

Conditions:
Cardiovascular phenotype. Identifiers: MedGen CN230736.
Progressive familial heart block type IB (PFHB1B). Identifiers: Orphanet 871, MedGen C1970298, MONDO:0011474, OMIM 604559.

Allele frequency attached by ClinVar (database versions not stated): gnomAD 0.00001; gnomAD exomes below 0.00001; TOPMed below 0.00001; ExAC 0.00001.
gnomAD v4.1: 10 of 1,613,832 alleles (0.00062%); highest among the groups gnomAD compares: African/African-American, 0.0053%; no homozygotes.

Submissions (2):

Labcorp Genetics (formerly Invitae), Labcorp
Classification: Uncertain significance for Progressive familial heart block type IB. Last evaluated: 2026-01-15. Review status: criteria provided, single submitter. Criteria: Invitae Variant Classification Sherloc (09022015). Collection method: clinical testing. Allele origin: germline.
Comment: This sequence change replaces glutamic acid, which is acidic and polar, with lysine, which is basic and polar, at codon 374 of the TRPM4 protein (p.Glu374Lys). This variant is present in population databases (rs758836432, gnomAD 0.004%). This variant has not been reported in the literature in individuals affected with TRPM4-related conditions. ClinVar contains an entry for this variant (Variation ID: 1797723). An algorithm developed to predict the effect of missense changes on protein structure and function (PolyPhen-2) suggests that this variant is likely to be tolerated. In summary, the available evidence is currently insufficient to determine the role of this variant in disease. Therefore, it has been classified as a Variant of Uncertain Significance.

Ambry Genetics
Classification: Uncertain significance for Cardiovascular phenotype. Last evaluated: 2024-06-30. Review status: criteria provided, single submitter. Criteria: Ambry Variant Classification Scheme 2023. Collection method: clinical testing. Allele origin: germline.
Comment: The p.E374K variant (also known as c.1120G>A), located in coding exon 9 of the TRPM4 gene, results from a G to A substitution at nucleotide position 1120. The glutamic acid at codon 374 is replaced by lysine, an amino acid with similar properties. Based on data from ExAC, the A allele was reported in 1 of 121410 (0.0008%) total alleles (Exome Aggregation Consortium (ExAC), Cambridge, MA (URL) [Accessed March 7, 2016]). This variant was not reported in population based cohorts in the following databases: Database of Single Nucleotide Polymorphisms (dbSNP), NHLBI Exome Sequencing Project (ESP), and 1000 Genomes Project. In the ESP, this variant was not observed in 6503 samples (13006 alleles) with coverage at this position. This amino acid position is highly conserved in available vertebrate species. In addition, the in silico prediction for this alteration is inconclusive. Since supporting evidence is limited at this time, the clinical significance of this alteration remains unclear.